The following is an entry in ClinVar:

NM_000059.4(BRCA2):c.7711dup (p.Glu2571fs)

Gene: BRCA2 (BRCA2 DNA repair associated; plus strand). Cytogenetic location: 13q13.1.
Variant type: Duplication.
Coding change: c.7711dup on transcript NM_000059.4 (MANE Select); coding-DNA position 7711, one base duplicated (G; older notation c.7711dupG).
Protein change: p.Glu2571fs; shifts the reading frame from glutamic acid 2571.
Molecular consequence: frameshift variant. On other transcripts: non-coding transcript variant (1).
Genome position (GRCh38, 1-based): chr13:32,357,835, G duplicated; the last of 2 consecutive G bases (chr13:32,357,834-32,357,835); duplicating either gives the same sequence. VCF-style (leftmost placement, unchanged base first): chr13-32357833-A-AG. GRCh37 (hg19) VCF-style: chr13-32931970-A-AG.
Other names: c.7615dup, p.Glu2539fs (NM_001406719.1); c.7711dup, p.Glu2571fs (NM_001406720.1); c.2779dup, p.Glu927fs (NM_001406721.1); c.1294dup, p.Glu432fs (NM_001406722.1); short protein forms E2539fs, E2571fs, E432fs, E927fs.
Identifiers: ClinVar variation 2674567 (VCV002674567.1), dbSNP rs2548542600, ClinGen allele CA2695199706.
Genomic context (GRCh38, chr13:32,357,833, plus strand): 5'-TAAAAATTAACAGCAAAAATGCAGAGTCTTTTCAGTTTCACACTGAAGATTATTTTGGTA[A>AG]GGAAAGTTTATGGACTGGAAAAGGAATACAGTTGGCTGATGGTGGATGGCTCATACCCTC-3'

ClinVar aggregate classification (germline): Pathogenic (1 of 4 stars; one submission).

Conditions:
Breast-ovarian cancer, familial, susceptibility to, 2 (BROVCA2). Also called: BRCA2 Hereditary Breast and Ovarian Cancer. Identifiers: Orphanet 145, MedGen C2675520, MONDO:0012933, OMIM 612555. Disease mechanism: loss of function.

Submission:

Myriad Genetics, Inc.
Classification: Pathogenic for Breast-ovarian cancer, familial, susceptibility to, 2. Last evaluated: 2023-09-26. Review status: criteria provided, single submitter. Criteria: Myriad Autosomal Dominant, Autosomal Recessive and X-Linked Classification Criteria (2023). Collection method: clinical testing. Allele origin: unknown.
Comment: This variant is considered pathogenic. This variant creates a frameshift predicted to result in premature protein truncation.